The following is an entry in ClinVar:

NM_000426.4(LAMA2):c.8355_8356delinsA (p.Asn2785fs)

Genes: LAMA2 (laminin subunit alpha 2; plus strand), LOC126859784 (CDK7 strongly-dependent group 2 enhancer GRCh37_chr6:129822854-129824053; plus strand). Cytogenetic location: 6q22.33.
Variant type: Indel.
Coding change: c.8355_8356delinsA on transcript NM_000426.4 (MANE Select); coding-DNA positions 8355 to 8356, CC replaced by A.
Protein change: p.Asn2785fs; shifts the reading frame from asparagine 2785.
Molecular consequence: frameshift variant.
Genome position (GRCh38, 1-based): chr6:129,502,769-129,502,770, CC replaced by A. VCF-style: chr6-129502769-CC-A. GRCh37 (hg19) VCF-style: chr6-129823914-CC-A.
Other names: c.8343_8344delinsA, p.Asn2781fs (NM_001079823.2); short protein forms N2781fs, N2785fs.
Identifiers: ClinVar variation 5012412 (VCV005012412.1).
Genomic context (GRCh38, chr6:129,502,769, plus strand): 5'-GTTCGGGCTTTCAAGAAACAGTCACATTGCAATTGCATTTGATGACACCAAAGTTAAAAA[CC>A]GGTATGTATCATCCTGAGACACTGGGAAAGAACCGATAAATGAAGAACTGAGTATTTGTG-3'

ClinVar aggregate classification (germline): Pathogenic (1 of 4 stars; one submission).

Conditions:
LAMA2-related muscular dystrophy (LAMA2-RD). Also called: Laminin alpha 2-related dystrophy. Identifiers: MedGen C5679788, MONDO:0100228.

Submission:

Myriad Genetics, Inc.
Classification: Pathogenic for LAMA2-related muscular dystrophy. Last evaluated: 2023-10-21. Review status: criteria provided, single submitter. Criteria: Myriad Autosomal Dominant, Autosomal Recessive and X-Linked Classification Criteria (2023). Collection method: clinical testing. Allele origin: unknown.
Comment: NM_000426.3(LAMA2):c.8355_8356delCCinsA(N2785Kfs*9) is expected to be pathogenic in the context of muscular dystrophy, LAMA2-related. This variant is predicted to lead to an abnormal or absent protein product due to the creation of a premature termination codon in LAMA2, a gene where loss-of-function variants are known to be pathogenic. Please note: this variant was assessed in the context of healthy population screening.